The following is an entry in ClinVar:

NM_005529.7(HSPG2):c.7138A>C (p.Ser2380Arg)

Gene: HSPG2 (heparan sulfate proteoglycan 2; minus strand). Cytogenetic location: 1p36.12.
Variant type: single nucleotide variant.
Coding change: c.7138A>C on transcript NM_005529.7 (MANE Select); coding-DNA position 7138, A replaced by C.
Protein change: p.Ser2380Arg; replaces serine 2380 with arginine.
Molecular consequence: missense variant.
Genome position (GRCh38, 1-based): chr1:21,851,566, T>G on the plus strand (A>C on the coding strand, the complement: HSPG2 is on the minus strand). VCF-style: chr1-21851566-T-G. GRCh37 (hg19) VCF-style: chr1-22178059-T-G.
Other names: c.7141A>C, p.Ser2381Arg (NM_001291860.2); short protein forms S2381R, S2380R.
Identifiers: ClinVar variation 876159 (VCV000876159.9), dbSNP rs767635632, ClinGen allele CA671305.
Genomic context (GRCh38, chr1:21,851,566, plus strand): 5'-CGCTTCCTCTTCTTGGCCTGTCTGTCCTCCAGTCCCATACCTGGTGCCGGACAGGGAGGC[T>G]GCCCCCACGCTTGTGCCACGTGACCTGGGCATGGGACTGCCCGGGCACCACGCAGTTCAG-3'
Protein context (NP_005520.4, residues 2370-2390): AQVTWHKRGG[Ser2380Arg]LPVRHQTHGS

ClinVar aggregate classification (germline): Uncertain significance. Review status: criteria provided, multiple submitters, no conflicts (2 of 4 stars). 3 submissions from 2 submitters: Uncertain significance (3). Last evaluated 2025-09-03.

Conditions:
Schwartz-Jampel syndrome. Also called: Myotonic myopathy dwarfism chondrodystrophy and ocular and facial abnormalities. Identifiers: Orphanet 800, MedGen C0036391, MONDO:0009717.
Lethal Kniest-like syndrome (DDSH). Also called: Dyssegmental Dysplasia. Identifiers: Orphanet 1865, MedGen C1857100, MONDO:0009140, OMIM 224410.

Allele frequency attached by ClinVar (database versions not stated): ExAC 0.00006; gnomAD exomes 0.00006 and 0.00015; gnomAD 0.00007 and 0.00008; TOPMed 0.00011.
gnomAD v4.1: 242 of 1,613,914 alleles (0.015%); highest among the groups gnomAD compares: Non-Finnish European, 0.019%; 1 homozygote.

Submissions (3):

Labcorp Genetics (formerly Invitae), Labcorp
Classification: Uncertain significance. Last evaluated: 2025-09-03. Review status: criteria provided, single submitter. Criteria: Invitae Variant Classification Sherloc (09022015). Collection method: clinical testing. Allele origin: germline.
Comment: This sequence change replaces serine, which is neutral and polar, with arginine, which is basic and polar, at codon 2380 of the HSPG2 protein (p.Ser2380Arg). This variant is present in population databases (rs767635632, gnomAD 0.01%). This variant has not been reported in the literature in individuals affected with HSPG2-related conditions. ClinVar contains an entry for this variant (Variation ID: 876159). An algorithm developed to predict the effect of missense changes on protein structure and function (PolyPhen-2) suggests that this variant is likely to be disruptive. In summary, the available evidence is currently insufficient to determine the role of this variant in disease. Therefore, it has been classified as a Variant of Uncertain Significance.

Illumina Laboratory Services, Illumina
Classification: Uncertain significance for Schwartz-Jampel syndrome type 1. Last evaluated: 2017-08-25. Review status: criteria provided, single submitter. Criteria: ICSL Variant Classification Criteria 13 December 2019. Collection method: clinical testing. Allele origin: germline.

Illumina Laboratory Services, Illumina
Classification: Uncertain significance for Lethal Kniest-like syndrome. Last evaluated: 2017-08-25. Review status: criteria provided, single submitter. Criteria: ICSL Variant Classification Criteria 13 December 2019. Collection method: clinical testing. Allele origin: germline.